The following is an entry in ClinVar:

ClinVar aggregate classification (germline): Pathogenic. Review status: criteria provided, multiple submitters, no conflicts (2 of 4 stars). 3 submissions from 3 submitters: Pathogenic (3). Last evaluated 2024-03-21.

Conditions:
Muscular dystrophy, limb-girdle, autosomal recessive 23. Identifiers: Orphanet 565837, MedGen C4748327, MONDO:0029136, OMIM 618138.
Merosin deficient congenital muscular dystrophy (MDC1A). Also called: Congenital merosin-deficient muscular dystrophy 1A; Congenital Muscular Dystrophy Type 1A (MDC1A). Identifiers: Orphanet 258, MedGen C1263858, MONDO:0011925, OMIM 607855.
LAMA2-related muscular dystrophy (LAMA2-RD). Also called: Laminin alpha 2-related dystrophy. Identifiers: MedGen C5679788, MONDO:0100228.

Allele frequency attached by ClinVar (database versions not stated): TOPMed 0.00001.

Submissions (3):

Fulgent Genetics
Classification: Pathogenic for Merosin deficient congenital muscular dystrophy; Muscular dystrophy, limb-girdle, autosomal recessive 23. Last evaluated: 2024-03-21. Review status: criteria provided, single submitter. Criteria: ACMG Guidelines, 2015. Collection method: clinical testing. Allele origin: germline.

Labcorp Genetics (formerly Invitae), Labcorp
Classification: Pathogenic for LAMA2-related muscular dystrophy. Last evaluated: 2024-02-13. Review status: criteria provided, single submitter. Criteria: Invitae Variant Classification Sherloc (09022015). Collection method: clinical testing. Allele origin: germline.
Comment: This sequence change creates a premature translational stop signal (p.Ser659*) in the LAMA2 gene. It is expected to result in an absent or disrupted protein product. Loss-of-function variants in LAMA2 are known to be pathogenic (PMID: 18700894, 32904964). This variant is not present in population databases (gnomAD no frequency). This premature translational stop signal has been observed in individual(s) with congenital muscular dystrophy (PMID: 24611677). For these reasons, this variant has been classified as Pathogenic.

Baylor Genetics
Classification: Pathogenic for Merosin deficient congenital muscular dystrophy. Last evaluated: 2023-08-08. Review status: criteria provided, single submitter. Criteria: ACMG Guidelines, 2015. Collection method: clinical testing. Allele origin: unknown.

Literature cited by the submitters: PubMed 18700894 (cited by Labcorp Genetics (formerly Invitae), Labcorp); PubMed 32904964 (cited by Labcorp Genetics (formerly Invitae), Labcorp); PubMed 24611677 (cited by Labcorp Genetics (formerly Invitae), Labcorp).

NM_000426.4(LAMA2):c.1976C>A (p.Ser659Ter)

Gene: LAMA2 (laminin subunit alpha 2; plus strand). Cytogenetic location: 6q22.33.
Variant type: single nucleotide variant.
Coding change: c.1976C>A on transcript NM_000426.4 (MANE Select); coding-DNA position 1976, C replaced by A.
Protein change: p.Ser659Ter; replaces serine 659 with a stop codon.
Molecular consequence: nonsense.
Genome position (GRCh38, 1-based): chr6:129,252,175, C>A. VCF-style: chr6-129252175-C-A. GRCh37 (hg19) VCF-style: chr6-129573320-C-A.
Other names: c.1976C>A, p.Ser659Ter (NM_001079823.2); short protein forms S659*.
Identifiers: ClinVar variation 2676236 (VCV002676236.4), dbSNP rs1276391947, ClinGen allele CA365610376.